The following is an entry in ClinVar:

NM_000038.6(APC):c.7384T>C (p.Phe2462Leu)

Gene: APC (APC regulator of Wnt signaling pathway; plus strand). Cytogenetic location: 5q22.2.
Variant type: single nucleotide variant.
Coding change: c.7384T>C on transcript NM_000038.6 (MANE Select); coding-DNA position 7384, T replaced by C.
Protein change: p.Phe2462Leu; replaces phenylalanine 2462 with leucine.
Molecular consequence: missense variant. On other transcripts: non-coding transcript variant (2).
Genome position (GRCh38, 1-based): chr5:112,842,978, T>C. VCF-style: chr5-112842978-T-C. GRCh37 (hg19) VCF-style: chr5-112178675-T-C.
Other names: c.7384T>C, p.Phe2462Leu (NM_001127510.3, NM_001354895.2, NM_001407450.1); c.7330T>C, p.Phe2444Leu (NM_001127511.3); c.7438T>C, p.Phe2480Leu (NM_001354896.2, NM_001407447.1, NM_001407448.1 and 1 more transcripts); c.7414T>C, p.Phe2472Leu (NM_001354897.2); c.7309T>C, p.Phe2437Leu (NM_001354898.2); c.7300T>C, p.Phe2434Leu (NM_001354899.2); c.7261T>C, p.Phe2421Leu (NM_001354900.2); c.7207T>C, p.Phe2403Leu (NM_001354901.2, NM_001407453.1); and 11 more; short protein forms F2078L, F2179L, F2302L, F2333L, F2336L, F2361L, F2371L, F2379L.
Identifiers: ClinVar variation 3619000 (VCV003619000.2).
Genomic context (GRCh38, chr5:112,842,978, plus strand): 5'-ACTTTCATCAAAGAAGCTCCAAGCCCAACCTTAAGAAGAAAATTGGAGGAATCTGCTTCA[T>C]TTGAATCTCTTTCTCCATCATCTAGACCAGCTTCTCCCACTAGGTCCCAGGCACAAACTC-3'
Protein context (NP_000029.2, residues 2452-2472): LRRKLEESAS[Phe2462Leu]ESLSPSSRPA

ClinVar aggregate classification (germline): Uncertain significance (1 of 4 stars; one submission).

Conditions:
Familial adenomatous polyposis 1 (FAP1). Also called: FAMILIAL ADENOMATOUS POLYPOSIS 1, ATTENUATED; POLYPOSIS, ADENOMATOUS INTESTINAL. Identifiers: MedGen C2713442, MONDO:0021056, OMIM 175100. Disease mechanism: loss of function.

Submission:

Labcorp Genetics (formerly Invitae), Labcorp
Classification: Uncertain significance for Familial adenomatous polyposis 1. Last evaluated: 2024-07-09. Review status: criteria provided, single submitter. Criteria: Invitae Variant Classification Sherloc (09022015). Collection method: clinical testing. Allele origin: germline.
Comment: This sequence change replaces phenylalanine, which is neutral and non-polar, with leucine, which is neutral and non-polar, at codon 2462 of the APC protein (p.Phe2462Leu). This variant is not present in population databases (gnomAD no frequency). This variant has not been reported in the literature in individuals affected with APC-related conditions. Advanced modeling of protein sequence and biophysical properties (such as structural, functional, and spatial information, amino acid conservation, physicochemical variation, residue mobility, and thermodynamic stability) performed at Invitae indicates that this missense variant is not expected to disrupt APC protein function with a negative predictive value of 95%. In summary, the available evidence is currently insufficient to determine the role of this variant in disease. Therefore, it has been classified as a Variant of Uncertain Significance.